The following is an entry in ClinVar:

NM_004082.5(DCTN1):c.2545G>T (p.Ala849Ser)

Gene: DCTN1 (dynactin subunit 1; minus strand). Cytogenetic location: 2p13.1.
Variant type: single nucleotide variant.
Coding change: c.2545G>T on transcript NM_004082.5 (MANE Select); coding-DNA position 2545, G replaced by T.
Protein change: p.Ala849Ser; replaces alanine 849 with serine.
Molecular consequence: missense variant. On other transcripts: non-coding transcript variant (1).
Genome position (GRCh38, 1-based): chr2:74,366,542, C>A on the plus strand (G>T on the coding strand, the complement: DCTN1 is on the minus strand). VCF-style: chr2-74366542-C-A. GRCh37 (hg19) VCF-style: chr2-74593669-C-A.
Other names: c.2485G>T, p.Ala829Ser (NM_001135040.3); c.2143G>T, p.Ala715Ser (NM_001135041.3, NM_023019.4); c.2434G>T, p.Ala812Ser (NM_001190836.2); c.2524G>T, p.Ala842Ser (NM_001190837.2); c.2494G>T, p.Ala832Ser (NM_001378991.1); c.2476G>T, p.Ala826Ser (NM_001378992.1); short protein forms A829S, A826S, A849S, A715S, A812S, A832S, A842S.
Identifiers: ClinVar variation 1792880 (VCV001792880.2), dbSNP rs769512188, ClinGen allele CA347346405.

ClinVar aggregate classification (germline): Uncertain significance (1 of 4 stars; one submission).

Conditions:
Inborn genetic diseases. Identifiers: MedGen C0950123, MeSH D030342.

Submission:

Ambry Genetics
Classification: Uncertain significance for Inborn genetic diseases. Last evaluated: 2021-04-30. Review status: criteria provided, single submitter. Criteria: Ambry Variant Classification Scheme 2023. Collection method: clinical testing. Allele origin: germline.
Comment: The p.A849S variant (also known as c.2545G>T), located in coding exon 22 of the DCTN1 gene, results from a G to T substitution at nucleotide position 2545. The alanine at codon 849 is replaced by serine, an amino acid with similar properties. This amino acid position is highly conserved in available vertebrate species. In addition, the in silico prediction for this alteration is inconclusive. Since supporting evidence is limited at this time, the clinical significance of this alteration remains unclear.